The following is an entry in ClinVar:

ClinVar aggregate classification (germline): Pathogenic. Review status: criteria provided, multiple submitters, no conflicts (2 of 4 stars). 2 submissions from 2 submitters: Pathogenic (2). Last evaluated 2025-06-24.

Conditions:
Hereditary cancer-predisposing syndrome. Also called: Neoplastic Syndromes, Hereditary; Tumor predisposition; Hereditary Cancer Syndrome; Hereditary neoplastic syndrome. Identifiers: Orphanet 140162, MedGen C0027672, MeSH D009386, MONDO:0015356.
Oligodontia-cancer predisposition syndrome. Also called: TOOTH AGENESIS-COLORECTAL CANCER SYNDROME. Identifiers: Orphanet 300576, MedGen C1837750, MONDO:0012075, OMIM 608615. Disease mechanism: loss of function.

Submissions (2):

Labcorp Genetics (formerly Invitae), Labcorp
Classification: Pathogenic for Oligodontia-cancer predisposition syndrome. Last evaluated: 2025-06-24. Review status: criteria provided, single submitter. Criteria: Invitae Variant Classification Sherloc (09022015). Collection method: clinical testing. Allele origin: germline.
Comment: This sequence change creates a premature translational stop signal (p.Trp111*) in the AXIN2 gene. It is expected to result in an absent or disrupted protein product. Loss-of-function variants in AXIN2 are known to be pathogenic (PMID: 15042511, 21416598). This variant is not present in population databases (gnomAD no frequency). This variant has not been reported in the literature in individuals affected with AXIN2-related conditions. ClinVar contains an entry for this variant (Variation ID: 1730296). For these reasons, this variant has been classified as Pathogenic.

Ambry Genetics
Classification: Pathogenic for Hereditary cancer-predisposing syndrome. Last evaluated: 2020-08-18. Review status: criteria provided, single submitter. Criteria: Ambry Variant Classification Scheme 2023. Collection method: clinical testing. Allele origin: germline.
Comment: The p.W111* pathogenic mutation (also known as c.332G>A), located in coding exon 1 of the AXIN2 gene, results from a G to A substitution at nucleotide position 332. This changes the amino acid from a tryptophan to a stop codon within coding exon 1. This alteration is expected to result in loss of function by premature protein truncation or nonsense-mediated mRNA decay. As such, this alteration is interpreted as a disease-causing mutation.

Literature cited by the submitters: PubMed 15042511 (cited by Labcorp Genetics (formerly Invitae), Labcorp); PubMed 21416598 (cited by Labcorp Genetics (formerly Invitae), Labcorp).

NM_004655.4(AXIN2):c.332G>A (p.Trp111Ter)

Gene: AXIN2 (axin 2; minus strand). Cytogenetic location: 17q24.1.
Variant type: single nucleotide variant.
Coding change: c.332G>A on transcript NM_004655.4 (MANE Select); coding-DNA position 332, G replaced by A.
Protein change: p.Trp111Ter; replaces tryptophan 111 with a stop codon.
Molecular consequence: nonsense.
Genome position (GRCh38, 1-based): chr17:65,558,289, C>T on the plus strand (G>A on the coding strand, the complement: AXIN2 is on the minus strand). VCF-style: chr17-65558289-C-T. GRCh37 (hg19) VCF-style: chr17-63554407-C-T.
Other names: c.332G>A, p.Trp111Ter (NM_001363813.1); short protein forms W111*.
Identifiers: ClinVar variation 1730296 (VCV001730296.3), dbSNP rs2144587770, ClinGen allele CA400681632.